The following is an entry in ClinVar:

NM_000219.6(KCNE1):c.196A>G (p.Ile66Val)

Gene: KCNE1 (potassium voltage-gated channel subfamily E regulatory subunit 1; minus strand). Cytogenetic location: 21q22.12.
Variant type: single nucleotide variant.
Coding change: c.196A>G on transcript NM_000219.6 (MANE Select); coding-DNA position 196, A replaced by G.
Protein change: p.Ile66Val; replaces isoleucine 66 with valine.
Molecular consequence: missense variant.
Genome position (GRCh38, 1-based): chr21:34,449,439, T>C on the plus strand (A>G on the coding strand, the complement: KCNE1 is on the minus strand). VCF-style: chr21-34449439-T-C. GRCh37 (hg19) VCF-style: chr21-35821737-T-C.
Other names: c.196A>G, p.Ile66Val (NM_001127668.4, NM_001127669.4, NM_001127670.4 and 4 more transcripts); short protein forms I66V.
Identifiers: ClinVar variation 3374303 (VCV003374303.2).
Genomic context (GRCh38, chr21:34,449,439, plus strand): 5'-CATCGGACTCGATGTAGACGTTGAATGGGTCGTTCGAGTGCTCCAGCTTCTTGGAGCGGA[T>C]GTAGCTCAGCATGATGCCCAGGGTGAAGAAGCCGAAGAATCCCAGTACCATGAGGACGTA-3'
Protein context (NP_000210.2, residues 56-76): FFTLGIMLSY[Ile66Val]RSKKLEHSND

Conditions:
Long QT syndrome 5 (LQT5). Identifiers: Orphanet 101016, Orphanet 768, MedGen C1867904, MONDO:0013372, OMIM 613695.

Submission:

Roden Lab, Vanderbilt University Medical Center
No classification provided (evidence only). Condition: Long QT syndrome 5. Review status: no classification provided. Collection method: in vitro. Allele origin: not applicable. Functional consequence: Effect on ion channel function.
ClinVar note: "not provided" was previously submitted as the classification for the variant. However, the classification appeared to be based only on an observation of functional data so it was converted to no classification on 2025-07-30.